The following is an entry in ClinVar:

ClinVar aggregate classification (germline): Benign/Likely benign. Review status: criteria provided, multiple submitters, no conflicts (2 of 4 stars). 6 submissions from 5 submitters: Benign (3); Likely benign (3). Last evaluated 2026-01-06.

Conditions:
DNM2-related disorder. Also called: DNM2-related condition.
Inborn genetic diseases. Identifiers: MedGen C0950123, MeSH D030342.
Charcot-Marie-Tooth disease dominant intermediate B (CMTDIB). Also called: CHARCOT-MARIE-TOOTH NEUROPATHY, DOMINANT INTERMEDIATE B; Charcot-Marie-Tooth disease dominant intermediate 1; CMT DI1; Charcot-Marie-Tooth disease dominant intermediate I. Identifiers: Orphanet 100044, Orphanet 228179, MedGen C1847902, MONDO:0011674, OMIM 606482.
Autosomal dominant centronuclear myopathy. Also called: Myopathy, centronuclear, 3; MYOTUBULAR MYOPATHY, AUTOSOMAL DOMINANT. Identifiers: Orphanet 169189, MedGen C4551952, MeSH D020914, MONDO:0008048, OMIM 160150.

Allele frequency attached by ClinVar (database versions not stated): TOPMed 0.00004; gnomAD 0.00007; ESP Exome Variant Server 0.00008; ExAC 0.00012; gnomAD exomes 0.00013.
gnomAD v4.1: 89 of 1,614,090 alleles (0.0055%); highest among the groups gnomAD compares: East Asian, 0.0045%; no homozygotes.

Submissions (6):

Labcorp Genetics (formerly Invitae), Labcorp
Classification: Likely benign for Charcot-Marie-Tooth disease dominant intermediate B. Last evaluated: 2026-01-06. Review status: criteria provided, single submitter. Criteria: Invitae Variant Classification Sherloc (09022015). Collection method: clinical testing. Allele origin: germline.

PreventionGenetics, part of Exact Sciences
Classification: Likely benign for DNM2-related condition. Last evaluated: 2025-05-08. Review status: criteria provided, single submitter. Criteria: ACMG Guidelines, 2015. Collection method: clinical testing. Allele origin: germline.
Comment: This variant is classified as likely benign based on ACMG/AMP sequence variant interpretation guidelines (Richards et al. 2015 PMID: 25741868, with internal and published modifications).

Ambry Genetics
Classification: Likely benign for Inborn genetic diseases. Last evaluated: 2019-07-11. Review status: criteria provided, single submitter. Criteria: Ambry Variant Classification Scheme 2023. Collection method: clinical testing. Allele origin: germline.

Athena Diagnostics
Classification: Benign. Last evaluated: 2018-12-05. Review status: criteria provided, single submitter. Criteria: Athena Diagnostics Criteria. Collection method: clinical testing. Allele origin: germline.

Illumina Laboratory Services, Illumina
Classification: Benign for Charcot-Marie-Tooth disease dominant intermediate B. Last evaluated: 2018-01-12. Review status: criteria provided, single submitter. Criteria: ICSL Variant Classification Criteria 13 December 2019. Collection method: clinical testing. Allele origin: germline.
Comment: This variant was observed in the ICSL laboratory as part of a predisposition screen in an ostensibly healthy population. It had not been previously curated by ICSL or reported in the Human Gene Mutation Database (HGMD: prior to June 1st, 2018), and was therefore a candidate for classification through an automated scoring system. Utilizing variant allele frequency, disease prevalence and penetrance estimates, and inheritance mode, an automated score was calculated to assess if this variant is too frequent to cause the disease. Based on the score and internal cut-off values, a variant classified as benign is not then subjected to further curation. The score for this variant resulted in a classification of benign for this disease.

Illumina Laboratory Services, Illumina
Classification: Benign for Autosomal dominant centronuclear myopathy. Last evaluated: 2018-01-12. Review status: criteria provided, single submitter. Criteria: ICSL Variant Classification Criteria 13 December 2019. Collection method: clinical testing. Allele origin: germline.
Comment: the same text as in the submission from Illumina Laboratory Services, Illumina above.

NM_001005361.3(DNM2):c.1377C>T (p.Ile459=)

Gene: DNM2 (dynamin 2; plus strand). Cytogenetic location: 19p13.2.
Variant type: single nucleotide variant.
Coding change: c.1377C>T on transcript NM_001005361.3 (MANE Select); coding-DNA position 1377, C replaced by T.
Protein change: p.Ile459=; no amino-acid change (isoleucine 459 retained).
Molecular consequence: synonymous variant.
Genome position (GRCh38, 1-based): chr19:10,798,527, C>T. VCF-style: chr19-10798527-C-T. GRCh37 (hg19) VCF-style: chr19-10909203-C-T.
Other names: c.1377C>T, p.Ile459= (NM_001005360.3, NM_001005362.3, NM_001190716.2 and 1 more transcripts).
Identifiers: ClinVar variation 416986 (VCV000416986.19), dbSNP rs369345296, ClinGen allele CA9201133.